The following is an entry in ClinVar:

NM_002941.4(ROBO1):c.2096A>T (p.Gln699Leu)

Gene: ROBO1 (roundabout guidance receptor 1; minus strand). Cytogenetic location: 3p12.3.
Variant type: single nucleotide variant.
Coding change: c.2096A>T on transcript NM_002941.4 (MANE Select); coding-DNA position 2096, A replaced by T.
Protein change: p.Gln699Leu; replaces glutamine 699 with leucine.
Molecular consequence: missense variant.
Genome position (GRCh38, 1-based): chr3:78,661,254, T>A on the plus strand (A>T on the coding strand, the complement: ROBO1 is on the minus strand). VCF-style: chr3-78661254-T-A. GRCh37 (hg19) VCF-style: chr3-78710404-T-A.
Other names: c.1988A>T, p.Gln663Leu (NM_001145845.2, NM_133631.4); short protein forms Q663L, Q699L.
Identifiers: ClinVar variation 3665142 (VCV003665142.2).
Genomic context (GRCh38, chr3:78,661,254, plus strand): 5'-CCGTGGTTGGCTCCAGATGGCCGATAGAGAATTTTATATCCTTGTATATACTGAGACTGT[T>A]GATCTACCTATTAAAAAGACAAGTAAAATGTAATTATTCATATTATTGTATTGGTTCATC-3'
Protein context (NP_002932.1, residues 689-709): SSIEVHWTVD[Gln699Leu]QSQYIQGYKI

ClinVar aggregate classification (germline): Uncertain significance (1 of 4 stars; one submission).

gnomAD v4.1: 24 of 1,531,238 alleles (0.0016%); highest among the groups gnomAD compares: Admixed American, 0.043%; no homozygotes.

Submission:

Labcorp Genetics (formerly Invitae), Labcorp
Classification: Uncertain significance. Last evaluated: 2025-12-10. Review status: criteria provided, single submitter. Criteria: Invitae Variant Classification Sherloc (09022015). Collection method: clinical testing. Allele origin: germline.
Comment: This sequence change replaces glutamine, which is neutral and polar, with leucine, which is neutral and non-polar, at codon 699 of the ROBO1 protein (p.Gln699Leu). This variant is present in population databases (rs747641869, gnomAD no frequency). This variant has not been reported in the literature in individuals affected with ROBO1-related conditions. ClinVar contains an entry for this variant (Variation ID: 3665142). Invitae Evidence Modeling of protein sequence and biophysical properties (such as structural, functional, and spatial information, amino acid conservation, physicochemical variation, residue mobility, and thermodynamic stability) indicates that this missense variant is not expected to disrupt ROBO1 protein function with a negative predictive value of 95%. In summary, the available evidence is currently insufficient to determine the role of this variant in disease. Therefore, it has been classified as a Variant of Uncertain Significance.